The following is an entry in ClinVar:

NM_000717.5(CA4):c.205C>T (p.Arg69Cys)

Gene: CA4 (carbonic anhydrase 4; plus strand). Cytogenetic location: 17q23.1.
Variant type: single nucleotide variant.
Coding change: c.205C>T on transcript NM_000717.5 (MANE Select); coding-DNA position 205, C replaced by T.
Protein change: p.Arg69Cys; replaces arginine 69 with cysteine.
Molecular consequence: missense variant. On other transcripts: non-coding transcript variant (1).
Genome position (GRCh38, 1-based): chr17:60,156,652, C>T. VCF-style: chr17-60156652-C-T. GRCh37 (hg19) VCF-style: chr17-58234013-C-T.
Other names: short protein forms R69C.
Identifiers: ClinVar variation 1416001 (VCV001416001.6), dbSNP rs200180434, ClinGen allele CA8685262.
Genomic context (GRCh38, chr17:60,156,652, plus strand): 5'-GACCGCCAGTCCCCCATCAACATCGTCACCACCAAGGCAAAGGTGGACAAAAAACTGGGA[C>T]GCTTCTTCTTCTCTGGCTACGATAAGAAGCAAACGTGGACTGTCCAAAATAACGGGCACT-3'
Protein context (NP_000708.1, residues 59-79): TKAKVDKKLG[Arg69Cys]FFFSGYDKKQ

ClinVar aggregate classification (germline): Uncertain significance (1 of 4 stars; one submission).

Allele frequency attached by ClinVar (database versions not stated): gnomAD 0.00002 and 0.00003; TOPMed 0.00003; 1000 Genomes Project 0.00020; 1000 Genomes Project 30x 0.00031.

Submission:

Labcorp Genetics (formerly Invitae), Labcorp
Classification: Uncertain significance. Last evaluated: 2024-06-21. Review status: criteria provided, single submitter. Criteria: Invitae Variant Classification Sherloc (09022015). Collection method: clinical testing. Allele origin: germline.
Comment: This sequence change replaces arginine, which is basic and polar, with cysteine, which is neutral and slightly polar, at codon 69 of the CA4 protein (p.Arg69Cys). This variant is present in population databases (rs200180434, gnomAD 0.02%). This variant has not been reported in the literature in individuals affected with CA4-related conditions. ClinVar contains an entry for this variant (Variation ID: 1416001). Advanced modeling of protein sequence and biophysical properties (such as structural, functional, and spatial information, amino acid conservation, physicochemical variation, residue mobility, and thermodynamic stability) performed at Invitae indicates that this missense variant is not expected to disrupt CA4 protein function with a negative predictive value of 80%. In summary, the available evidence is currently insufficient to determine the role of this variant in disease. Therefore, it has been classified as a Variant of Uncertain Significance.